The following is an entry in ClinVar:

ClinVar aggregate classification (germline): Likely benign. Review status: criteria provided, single submitter (1 of 4 stars). 2 submissions from 2 submitters: Likely benign (1). 1 of the submissions does not count toward it. Last evaluated 2025-12-08.

Conditions:
Megalencephaly-polymicrogyria-polydactyly-hydrocephalus syndrome 2 (MPPH2). Also called: MEGALENCEPHALY-POLYMICROGYRIA-POLYDACTYLY-HYDROCEPHALUS SYNDROME 2, SOMATIC. Identifiers: Orphanet 83473, MedGen C4014738, MONDO:0014407, OMIM 615937.
AKT3-related disorder. Also called: AKT3-related condition.

Allele frequency attached by ClinVar (database versions not stated): gnomAD exomes 0.00002 and 0.00008; gnomAD 0.00004; TOPMed 0.00008; ExAC 0.00010.

Submissions (2):

Labcorp Genetics (formerly Invitae), Labcorp
Classification: Likely benign for Megalencephaly-polymicrogyria-polydactyly-hydrocephalus syndrome 2. Last evaluated: 2025-12-08. Review status: criteria provided, single submitter. Criteria: Invitae Variant Classification Sherloc (09022015). Collection method: clinical testing. Allele origin: germline.

PreventionGenetics, part of Exact Sciences
Classification: Likely benign for AKT3-related condition. Last evaluated: 2019-04-24. Review status: no assertion criteria provided. Collection method: clinical testing. Allele origin: germline. Not counted in ClinVar's aggregate classification.
Comment: This variant is classified as likely benign based on ACMG/AMP sequence variant interpretation guidelines (Richards et al. 2015 PMID: 25741868, with internal and published modifications).

NM_005465.7(AKT3):c.1104A>G (p.Thr368=)

Gene: AKT3 (AKT serine/threonine kinase 3; minus strand). Cytogenetic location: 1q44.
Variant type: single nucleotide variant.
Coding change: c.1104A>G on transcript NM_005465.7 (MANE Select); coding-DNA position 1104, A replaced by G.
Protein change: p.Thr368=; no amino-acid change (threonine 368 retained).
Molecular consequence: synonymous variant.
Genome position (GRCh38, 1-based): chr1:243,552,788, T>C on the plus strand (A>G on the coding strand, the complement: AKT3 is on the minus strand). VCF-style: chr1-243552788-T-C. GRCh37 (hg19) VCF-style: chr1-243716090-T-C.
Other names: c.1104A>G, p.Thr368= (NM_001206729.2, NM_001370074.1, NM_181690.2).
Identifiers: ClinVar variation 719789 (VCV000719789.12), dbSNP rs774883413, ClinGen allele CA1483973.